The following is an entry in ClinVar:

ClinVar aggregate classification (germline): Uncertain significance (1 of 4 stars; one submission).

Submission:

GeneDx
Classification: Uncertain significance. Last evaluated: 2023-12-29. Review status: criteria provided, single submitter. Criteria: GeneDx Variant Classification Process June 2021. Collection method: clinical testing. Allele origin: germline. Affected: yes.
Comment: Not observed at significant frequency in large population cohorts (gnomAD); In silico analysis supports that this missense variant does not alter protein structure/function; Has not been previously published as pathogenic or benign to our knowledge

NM_021614.4(KCNN2):c.979C>G (p.Gln327Glu)

Gene: KCNN2 (potassium calcium-activated channel subfamily N member 2; plus strand). Cytogenetic location: 5q22.3.
Variant type: single nucleotide variant.
Coding change: c.979C>G on transcript NM_021614.4 (MANE Select); coding-DNA position 979, C replaced by G.
Protein change: p.Gln327Glu; replaces glutamine 327 with glutamic acid.
Molecular consequence: missense variant. On other transcripts: non-coding transcript variant (1).
Genome position (GRCh38, 1-based): chr5:114,363,118, C>G. VCF-style: chr5-114363118-C-G. GRCh37 (hg19) VCF-style: chr5-113698815-C-G.
Other names: c.1177C>G, p.Gln393Glu (NM_001372233.1); short protein forms Q327E, Q393E.
Identifiers: ClinVar variation 3370237 (VCV003370237.1).